The following is an entry in ClinVar:

NM_000548.5(TSC2):c.649-12C>T

Gene: TSC2 (TSC complex subunit 2; plus strand). Cytogenetic location: 16p13.3.
Variant type: single nucleotide variant.
Coding change: c.649-12C>T on transcript NM_000548.5 (MANE Select); 12 bases into the intron before coding-DNA position 649, C replaced by T.
Molecular consequence: intron variant.
Genome position (GRCh38, 1-based): chr16:2,056,632, C>T. VCF-style: chr16-2056632-C-T. GRCh37 (hg19) VCF-style: chr16-2106633-C-T.
Other names: c.-783-12C>T (NM_001406693.1, NM_001406689.1, NM_001406690.1 and 3 more transcripts); c.739-12C>T (NM_001406667.1, NM_001406668.1); c.49-12C>T (NM_001406680.1, NM_001406683.1, NM_001406687.1 and 6 more transcripts); c.-959-12C>T (NM_001406698.1); c.649-12C>T (NM_001114382.3, NM_001406663.1, NM_001406664.1 and 6 more transcripts); c.-664-12C>T (NM_001406694.1, NM_001406695.1); c.-771-24C>T (NM_001406696.1); c.649-24C>T (NM_001406671.1, NM_001406673.1); and 5 more.
Identifiers: ClinVar variation 3070320 (VCV003070320.2), dbSNP rs1596277751, ClinGen allele CA2575876521.

ClinVar aggregate classification (germline): Likely benign. Review status: criteria provided, multiple submitters, no conflicts (2 of 4 stars). 2 submissions from 2 submitters: Likely benign (2). Last evaluated 2025-08-17.

Conditions:
Tuberous sclerosis syndrome (TSC). Also called: Tuberous sclerosis; Tuberous Sclerosis Complex. Identifiers: Orphanet 805, MedGen C0041341, MONDO:0001734.
Tuberous sclerosis 2 (TSC2). Identifiers: Orphanet 805, MedGen C1860707, MONDO:0013199, OMIM 613254.

Submissions (2):

Labcorp Genetics (formerly Invitae), Labcorp
Classification: Likely benign for Tuberous sclerosis 2. Last evaluated: 2025-08-17. Review status: criteria provided, single submitter. Criteria: Invitae Variant Classification Sherloc (09022015). Collection method: clinical testing. Allele origin: germline.

All of Us Research Program, National Institutes of Health
Classification: Likely benign for Tuberous sclerosis syndrome. Last evaluated: 2023-04-03. Review status: criteria provided, single submitter. Criteria: ACMG Guidelines, 2015. Collection method: clinical testing. Allele origin: germline. Inheritance: Autosomal dominant inheritance. Observed: 1 variant allele, 1 heterozygote.
Comment: This study involves interpretation of variants in research participants for the purpose of population health screening. Participant phenotype was not available at the time of variant classification. Additional details can be found in publication PMID: 35346344, PMCID: PMC8962531